The following is an entry in ClinVar:

ClinVar aggregate classification (germline): Likely benign. Review status: criteria provided, multiple submitters, no conflicts (2 of 4 stars). 2 submissions from 2 submitters: Likely benign (2). Last evaluated 2024-11-01.

Allele frequency attached by ClinVar (database versions not stated): gnomAD exomes below 0.00001; ExAC 0.00001; 1000 Genomes Project 0.00519.
gnomAD v4.1: 2 of 1,524,426 alleles (0.00013%); highest among the groups gnomAD compares: East Asian, 0.0024%; no homozygotes.

Submissions (2):

CeGaT Center for Human Genetics Tuebingen
Classification: Likely benign. Last evaluated: 2024-11-01. Review status: criteria provided, single submitter. Criteria: CeGaT Center For Human Genetics Tuebingen Variant Classification Criteria Version 2. Collection method: clinical testing. Allele origin: germline. Affected: yes. Observed: 2 variant alleles.
Comment: URI1: BP4, BP7

Breakthrough Genomics
Classification: Likely benign. Review status: criteria provided, single submitter. Criteria: ACMG Guidelines, 2015. Collection method: not provided. Allele origin: germline. Inheritance: Unknown mechanism. Affected: yes.

NM_003796.3(URI1):c.921C>T (p.Asp307=)

Gene: URI1 (URI1 prefoldin like chaperone; plus strand). Cytogenetic location: 19q12.
Variant type: single nucleotide variant.
Coding change: c.921C>T on transcript NM_003796.3 (MANE Select); coding-DNA position 921, C replaced by T.
Protein change: p.Asp307=; no amino-acid change (aspartic acid 307 retained).
Molecular consequence: synonymous variant. On other transcripts: non-coding transcript variant (1).
Genome position (GRCh38, 1-based): chr19:30,009,239, C>T. VCF-style: chr19-30009239-C-T. GRCh37 (hg19) VCF-style: chr19-30500146-C-T.
Other names: c.867C>T, p.Asp289= (NM_001252641.2).
Identifiers: ClinVar variation 3024954 (VCV003024954.22), dbSNP rs113183389, ClinGen allele CA9352852.